The following is an entry in ClinVar:

NM_015450.3(POT1):c.1065A>T (p.Lys355Asn)

Gene: POT1 (protection of telomeres 1; minus strand). Cytogenetic location: 7q31.33.
Variant type: single nucleotide variant.
Coding change: c.1065A>T on transcript NM_015450.3 (MANE Select); coding-DNA position 1065, A replaced by T.
Protein change: p.Lys355Asn; replaces lysine 355 with asparagine.
Molecular consequence: missense variant. On other transcripts: non-coding transcript variant (3).
Genome position (GRCh38, 1-based): chr7:124,842,905, T>A on the plus strand (A>T on the coding strand, the complement: POT1 is on the minus strand). VCF-style: chr7-124842905-T-A. GRCh37 (hg19) VCF-style: chr7-124482959-T-A.
Other names: c.672A>T, p.Lys224Asn (NM_001042594.2); short protein forms K355N, K224N.
Identifiers: ClinVar variation 2176624 (VCV002176624.4), dbSNP rs1258072644, ClinGen allele CA369068454.
Genomic context (GRCh38, chr7:124,842,905, plus strand): 5'-AAATAGTCTTCTGGGCTTATATGACCTCAATTTTGCTCGGATGCGGTATTGTTGAGGAGC[T>A]TTTTGTTTCAAAATGGCACATAGTGGTGTCCTCTCCAAATACTGATGATCTGTAAGTACT-3'
Protein context (NP_056265.2, residues 345-365): RTPLCAILKQ[Lys355Asn]APQQYRIRAK

ClinVar aggregate classification (germline): Uncertain significance (1 of 4 stars; one submission).

Conditions:
Tumor predisposition syndrome 3 (TPDS3). Also called: Melanoma, cutaneous malignant, susceptibility to, 10; Glioma susceptibility 9; LONG TELOMERE SYNDROME, POT1-RELATED; POT1 Tumor Predisposition. Identifiers: Orphanet 618, MedGen C4014476, MONDO:0014368, OMIM 615848.

Submission:

Labcorp Genetics (formerly Invitae), Labcorp
Classification: Uncertain significance for Tumor predisposition syndrome 3. Last evaluated: 2022-05-28. Review status: criteria provided, single submitter. Criteria: Invitae Variant Classification Sherloc (09022015). Collection method: clinical testing. Allele origin: germline.
Comment: This sequence change replaces lysine, which is basic and polar, with asparagine, which is neutral and polar, at codon 355 of the POT1 protein (p.Lys355Asn). This variant is not present in population databases (gnomAD no frequency). This variant has not been reported in the literature in individuals affected with POT1-related conditions. Algorithms developed to predict the effect of missense changes on protein structure and function output the following: SIFT: "Tolerated"; PolyPhen-2: "Benign"; Align-GVGD: "Class C0". The asparagine amino acid residue is found in multiple mammalian species, which suggests that this missense change does not adversely affect protein function. In summary, the available evidence is currently insufficient to determine the role of this variant in disease. Therefore, it has been classified as a Variant of Uncertain Significance.